The following is an entry in ClinVar:

ClinVar aggregate classification (germline): Likely benign. Review status: criteria provided, multiple submitters, no conflicts (2 of 4 stars). 2 submissions from 2 submitters: Likely benign (2). Last evaluated 2026-04-07.

Conditions:
Bethlem myopathy 2 (BTHLM2). Identifiers: Orphanet 536516, Orphanet 610, MedGen C4225313, MONDO:0034022, OMIM 616471.
Ullrich congenital muscular dystrophy 2 (UCMD2). Identifiers: Orphanet 75840, MedGen C4225314, MONDO:0014654, OMIM 616470.

Submissions (2):

Women's Health and Genetics/Laboratory Corporation of America, LabCorp
Classification: Likely benign. Last evaluated: 2026-04-07. Review status: criteria provided, single submitter. Criteria: LabCorp Variant Classification Summary - May 2015. Collection method: clinical testing. Allele origin: germline.
Comment: Variant summary: COL12A1 c.8523+17delA deletes a nucleotide located at a position not widely known to affect splicing. Consensus agreement among computation tools predict no significant impact on normal splicing. However, these predictions have yet to be confirmed by functional studies. The variant was absent in 245388 control chromosomes. The available data on variant occurrences in the general population are insufficient to allow any conclusion about variant significance. To our knowledge, no occurrence of c.8523+17delA in individuals affected with COL12A1-related conditions and no experimental evidence demonstrating its impact on protein function have been reported. ClinVar contains an entry for this variant (Variation ID: 2923484). Based on the evidence outlined above, the variant was classified as likely benign.

Labcorp Genetics (formerly Invitae), Labcorp
Classification: Likely benign for Bethlem myopathy 2; Ullrich congenital muscular dystrophy 2. Last evaluated: 2024-11-13. Review status: criteria provided, single submitter. Criteria: Invitae Variant Classification Sherloc (09022015). Collection method: clinical testing. Allele origin: germline.

NM_004370.6(COL12A1):c.8523+17del

Gene: COL12A1 (collagen type XII alpha 1 chain; minus strand). Cytogenetic location: 6q13.
Variant type: Deletion.
Coding change: c.8523+17del on transcript NM_004370.6 (MANE Select); 17 bases into the intron after coding-DNA position 8523, one base deleted (A; older notation c.8523+17delA).
Molecular consequence: intron variant.
Genome position (GRCh38, 1-based): chr6:75,101,583, T deleted on the plus strand (A on the coding strand, the reverse complement: COL12A1 is on the minus strand). VCF-style (leftmost placement, unchanged base first): chr6-75101582-CT-C. GRCh37 (hg19) VCF-style: chr6-75811298-CT-C.
Other names: c.5031+17del (NM_001424116.1, NM_080645.3); c.8250+17del (NM_001424115.1); c.8502+17del (NM_001424114.1); c.8523+17del (NM_001424113.1); c.8523+17delA (NM_004370.6).
Identifiers: ClinVar variation 2923484 (VCV002923484.4), dbSNP rs2533095486, ClinGen allele CA2740091433.
Genomic context (GRCh38, chr6:75,101,582, plus strand): 5'-TTTTGAAGGGTTCTTAATTAATAGGCAACCATATGACATCATTTCCAACATCATTGTAGC[CT>C]GCTCAAGAAAACTTACTCTGTCTCCTGGAGGTCCCATTGGTCCTGGTGGGCCAGGTAATC-3'